The following is an entry in ClinVar:

NM_201384.3(PLEC):c.8660A>G (p.Lys2887Arg)

Gene: PLEC (plectin; minus strand). Cytogenetic location: 8q24.3.
Variant type: single nucleotide variant.
Coding change: c.8660A>G on transcript NM_201384.3 (MANE Select); coding-DNA position 8660, A replaced by G.
Protein change: p.Lys2887Arg; replaces lysine 2887 with arginine.
Molecular consequence: missense variant.
Genome position (GRCh38, 1-based): chr8:143,921,161, T>C on the plus strand (A>G on the coding strand, the complement: PLEC is on the minus strand). VCF-style: chr8-143921161-T-C. GRCh37 (hg19) VCF-style: chr8-144995329-T-C.
Other names: c.8741A>G, p.Lys2914Arg (NM_000445.5); c.8618A>G, p.Lys2873Arg (NM_201378.4); c.8594A>G, p.Lys2865Arg (NM_201379.3); c.9071A>G, p.Lys3024Arg (NM_201380.4); c.8564A>G, p.Lys2855Arg (NM_201381.3); c.8660A>G, p.Lys2887Arg (NM_201382.4); c.8672A>G, p.Lys2891Arg (NM_201383.3); short protein forms K2891R, K3024R, K2865R, K2873R, K2855R, K2887R, K2914R.
Identifiers: ClinVar variation 281280 (VCV000281280.19), dbSNP rs201655861, ClinGen allele CA4925226.

ClinVar aggregate classification (germline): Conflicting classifications of pathogenicity. Review status: criteria provided, conflicting classifications (1 of 4 stars). 7 submissions from 7 submitters: Uncertain significance (2); Likely benign (4). 1 of the submissions does not count toward it. Last evaluated 2026-08-01.

Conditions:
PLEC-related disorder. Also called: PLEC-related condition; PLEC-related disorders.
Inborn genetic diseases. Identifiers: MedGen C0950123, MeSH D030342.
Epidermolysis bullosa simplex with nail dystrophy (EBS5D). Identifiers: MedGen C4225309, MONDO:0014661, OMIM 616487.
Epidermolysis bullosa simplex 5C, with pyloric atresia (EBS5C). Also called: PLEC-Related Epidermolysis Bullosa with Pyloric Atresia; PLEC1-Related Epidermolysis Bullosa with Pyloric Atresia; Epidermolysis bullosa simplex with pyloric atresia. Identifiers: Orphanet 158684, MedGen C2677349, MONDO:0012807, OMIM 612138.
Autosomal recessive limb-girdle muscular dystrophy type 2Q (LGMDR17). Also called: MUSCULAR DYSTROPHY, LIMB-GIRDLE, AUTOSOMAL RECESSIVE 17. Identifiers: Orphanet 254361, MedGen C3150989, MONDO:0013390, OMIM 613723.
Epidermolysis bullosa simplex, Ogna type (EBS5A). Also called: Pidermolysis bullosa simplex 5A, Ogna type; EPIDERMOLYSIS BULLOSA SIMPLEX 5A, OGNA TYPE. Identifiers: Orphanet 79401, MedGen C0432317, MONDO:0007555, OMIM 131950.
Epidermolysis bullosa simplex 5B, with muscular dystrophy (EBS5B). Also called: EPIDERMOLYSIS BULLOSA SIMPLEX AND LIMB-GIRDLE MUSCULAR DYSTROPHY; Epidermolysis bullosa simplex with muscular dystrophy. Identifiers: Orphanet 257, MedGen C2931072, MONDO:0009181, OMIM 226670.

Allele frequency attached by ClinVar (database versions not stated): gnomAD exomes 0.00012 and 0.00035; ExAC 0.00041; 1000 Genomes Project 0.00120; 1000 Genomes Project 30x 0.00125; gnomAD 0.00131 and 0.00141; TOPMed 0.00156; ESP Exome Variant Server 0.00169.
gnomAD v4.1: 376 of 1,613,736 alleles (0.023%); highest among the groups gnomAD compares: African/African-American, 0.44%; 1 homozygote.

Submissions (7):

CeGaT Center for Human Genetics Tuebingen
Classification: Likely benign. Last evaluated: 2026-08-01. Review status: criteria provided, single submitter. Criteria: CeGaT Center For Human Genetics Tuebingen Variant Classification Criteria Version 2. Collection method: clinical testing. Allele origin: germline. Affected: yes. Observed: 1 variant allele.
Comment: PLEC: BP4

Labcorp Genetics (formerly Invitae), Labcorp
Classification: Likely benign for Autosomal recessive limb-girdle muscular dystrophy type 2Q; Epidermolysis bullosa simplex, Ogna type; Epidermolysis bullosa simplex with nail dystrophy; Epidermolysis bullosa simplex 5C, with pyloric atresia; Epidermolysis bullosa simplex 5B, with muscular dystrophy. Last evaluated: 2026-01-14. Review status: criteria provided, single submitter. Criteria: Invitae Variant Classification Sherloc (09022015). Collection method: clinical testing. Allele origin: germline.

Ambry Genetics
Classification: Uncertain significance for Inborn genetic diseases. Last evaluated: 2021-07-06. Review status: criteria provided, single submitter. Criteria: Ambry Variant Classification Scheme 2023. Collection method: clinical testing. Allele origin: germline.

Athena Diagnostics
Classification: Likely benign. Last evaluated: 2021-01-06. Review status: criteria provided, single submitter. Criteria: Athena Diagnostics criteria. Collection method: clinical testing. Allele origin: unknown.

GeneDx
Classification: Likely benign. Last evaluated: 2017-12-11. Review status: criteria provided, single submitter. Criteria: GeneDx Variant Classification (06012015). Collection method: clinical testing. Allele origin: germline. Affected: yes.
Comment: This variant is considered likely benign or benign based on one or more of the following criteria: it is a conservative change, it occurs at a poorly conserved position in the protein, it is predicted to be benign by multiple in silico algorithms, and/or has population frequency not consistent with disease.

Eurofins Ntd Llc (ga)
Classification: Uncertain significance. Last evaluated: 2017-06-22. Review status: criteria provided, single submitter. Criteria: EGL Classification Definitions 2015. Collection method: clinical testing. Allele origin: germline. Observed: 1 variant allele, 1 heterozygote.

PreventionGenetics, part of Exact Sciences
Classification: Likely benign for PLEC-related condition. Last evaluated: 2023-12-21. Review status: no assertion criteria provided. Collection method: clinical testing. Allele origin: germline. Not counted in ClinVar's aggregate classification.
Comment: This variant is classified as likely benign based on ACMG/AMP sequence variant interpretation guidelines (Richards et al. 2015 PMID: 25741868, with internal and published modifications).